The following is an entry in ClinVar:

NM_001384732.1(CPLANE1):c.2143G>C (p.Asp715His)

Gene: CPLANE1 (ciliogenesis and planar polarity effector complex subunit 1; minus strand). Cytogenetic location: 5p13.2.
Variant type: single nucleotide variant.
Coding change: c.2143G>C on transcript NM_001384732.1 (MANE Select); coding-DNA position 2143, G replaced by C.
Protein change: p.Asp715His; replaces aspartic acid 715 with histidine.
Molecular consequence: missense variant.
Genome position (GRCh38, 1-based): chr5:37,226,452, C>G on the plus strand (G>C on the coding strand, the complement: CPLANE1 is on the minus strand). VCF-style: chr5-37226452-C-G. GRCh37 (hg19) VCF-style: chr5-37226554-C-G.
Other names: c.2143G>C, p.Asp715His (NM_023073.4); short protein forms D715H.
Identifiers: ClinVar variation 1969950 (VCV001969950.5), dbSNP rs1796491447, ClinGen allele CA359495842.

ClinVar aggregate classification (germline): Uncertain significance (1 of 4 stars; one submission).

Allele frequency attached by ClinVar (database versions not stated): gnomAD exomes below 0.00001.
gnomAD v4.1: 4 of 1,551,198 alleles (0.00026%); highest among the groups gnomAD compares: Non-Finnish European, 0.00026%; no homozygotes.

Submission:

Labcorp Genetics (formerly Invitae), Labcorp
Classification: Uncertain significance. Last evaluated: 2022-08-21. Review status: criteria provided, single submitter. Criteria: Invitae Variant Classification Sherloc (09022015). Collection method: clinical testing. Allele origin: germline.
Comment: In summary, the available evidence is currently insufficient to determine the role of this variant in disease. Therefore, it has been classified as a Variant of Uncertain Significance. Advanced modeling of protein sequence and biophysical properties (such as structural, functional, and spatial information, amino acid conservation, physicochemical variation, residue mobility, and thermodynamic stability) performed at Invitae indicates that this missense variant is not expected to disrupt CPLANE1 protein function. This variant has not been reported in the literature in individuals affected with CPLANE1-related conditions. This variant is not present in population databases (gnomAD no frequency). This sequence change replaces aspartic acid, which is acidic and polar, with histidine, which is basic and polar, at codon 715 of the CPLANE1 protein (p.Asp715His).